The following is an entry in ClinVar:

NM_003119.4(SPG7):c.191A>C (p.Gln64Pro)

Gene: SPG7 (SPG7 matrix AAA peptidase subunit, paraplegin; plus strand). Cytogenetic location: 16q24.3.
Variant type: single nucleotide variant.
Coding change: c.191A>C on transcript NM_003119.4 (MANE Select); coding-DNA position 191, A replaced by C.
Protein change: p.Gln64Pro; replaces glutamine 64 with proline.
Molecular consequence: missense variant.
Genome position (GRCh38, 1-based): chr16:89,510,497, A>C. VCF-style: chr16-89510497-A-C. GRCh37 (hg19) VCF-style: chr16-89576905-A-C.
Other names: c.191A>C, p.Gln64Pro (NM_001363850.1, NM_199367.3); short protein forms Q64P.
Identifiers: ClinVar variation 4875366 (VCV004875366.2).

ClinVar aggregate classification (germline): Uncertain significance (1 of 4 stars; one submission).

Submission:

CeGaT Center for Human Genetics Tuebingen
Classification: Uncertain significance. Last evaluated: 2026-06-01. Review status: criteria provided, single submitter. Criteria: CeGaT Center For Human Genetics Tuebingen Variant Classification Criteria Version 2. Collection method: clinical testing. Allele origin: germline. Affected: yes. Observed: 1 variant allele.
Comment: SPG7: PM2, BP4